The following is an entry in ClinVar:

NM_001199198.3(TBC1D23):c.1327G>A (p.Asp443Asn)

Gene: TBC1D23 (TBC1 domain family member 23; plus strand). Cytogenetic location: 3q12.2.
Variant type: single nucleotide variant.
Coding change: c.1327G>A on transcript NM_001199198.3 (MANE Select); coding-DNA position 1327, G replaced by A.
Protein change: p.Asp443Asn; replaces aspartic acid 443 with asparagine.
Molecular consequence: missense variant.
Genome position (GRCh38, 1-based): chr3:100,306,457, G>A. VCF-style: chr3-100306457-G-A. GRCh37 (hg19) VCF-style: chr3-100025301-G-A.
Other names: c.1327G>A, p.Asp443Asn (NM_018309.5); c.1327G>A (NM_001199198.1); short protein forms D443N.
Identifiers: ClinVar variation 1029243 (VCV001029243.2), dbSNP rs1336318830, ClinGen allele CA353817483.

ClinVar aggregate classification (germline): Uncertain significance. Review status: criteria provided, multiple submitters, no conflicts (2 of 4 stars). 2 submissions from 2 submitters: Uncertain significance (2). Last evaluated 2025-06-17.

Conditions:
Pontocerebellar hypoplasia, type 11. Identifiers: Orphanet 611247, MedGen C4540164, MONDO:0054669, OMIM 617695.
Inborn genetic diseases. Identifiers: MedGen C0950123, MeSH D030342.

Allele frequency attached by ClinVar (database versions not stated): gnomAD 0.00001; gnomAD exomes 0.00001; TOPMed 0.00001.
gnomAD v4.1: 18 of 1,609,626 alleles (0.0011%); highest among the groups gnomAD compares: Admixed American, 0.012%; no homozygotes.

Submissions (2):

Ambry Genetics
Classification: Uncertain significance for Inborn genetic diseases. Last evaluated: 2025-06-17. Review status: criteria provided, single submitter. Criteria: Ambry Variant Classification Scheme 2023. Collection method: clinical testing. Allele origin: germline.

Baylor Genetics
Classification: Uncertain significance for Pontocerebellar hypoplasia, type 11. Last evaluated: 2019-01-24. Review status: criteria provided, single submitter. Criteria: ACMG Guidelines, 2015. Collection method: clinical testing. Allele origin: maternal. Affected: yes.
Comment: This variant was determined to be of uncertain significance according to ACMG Guidelines, 2015 [PMID:25741868].